The following is an entry in ClinVar:

ClinVar aggregate classification (germline): Likely benign (1 of 4 stars; one submission).

Conditions:
TBC1D1-related disorder. Also called: TBC1D1-related condition.

gnomAD v4.1: 574 of 1,614,002 alleles (0.036%); highest among the groups gnomAD compares: Non-Finnish European, 0.038%; 1 homozygote.

Submission:

PreventionGenetics, part of Exact Sciences
Classification: Likely benign for TBC1D1-related condition. Last evaluated: 2025-03-31. Review status: criteria provided, single submitter. Criteria: ACMG Guidelines, 2015. Collection method: clinical testing. Allele origin: germline.
Comment: This variant is classified as likely benign based on ACMG/AMP sequence variant interpretation guidelines (Richards et al. 2015 PMID: 25741868, with internal and published modifications).

NM_001396959.1(TBC1D1):c.1856A>G (p.Gln619Arg)

Gene: TBC1D1 (TBC1 domain family member 1; plus strand). Cytogenetic location: 4p14.
Variant type: single nucleotide variant.
Coding change: c.1856A>G on transcript NM_001396959.1 (MANE Select); coding-DNA position 1856, A replaced by G.
Protein change: p.Gln619Arg; replaces glutamine 619 with arginine.
Molecular consequence: missense variant.
Genome position (GRCh38, 1-based): chr4:38,049,844, A>G. VCF-style: chr4-38049844-A-G. GRCh37 (hg19) VCF-style: chr4-38051465-A-G.
Other names: c.1856A>G, p.Gln619Arg (NM_001253912.2, NM_015173.4); short protein forms Q619R.
Identifiers: ClinVar variation 4981883 (VCV004981883.1).